The following is an entry in ClinVar:

ClinVar aggregate classification (germline): Uncertain significance (1 of 4 stars; one submission).

Conditions:
Primary ciliary dyskinesia. Also called: Ciliary dyskinesia. Identifiers: Orphanet 244, MedGen C0008780, MONDO:0016575, HP:0012265.

Allele frequency attached by ClinVar (database versions not stated): gnomAD exomes below 0.00001.

Submission:

Labcorp Genetics (formerly Invitae), Labcorp
Classification: Uncertain significance for Primary ciliary dyskinesia. Last evaluated: 2023-08-04. Review status: criteria provided, single submitter. Criteria: Invitae Variant Classification Sherloc (09022015). Collection method: clinical testing. Allele origin: germline.
Comment: In summary, the available evidence is currently insufficient to determine the role of this variant in disease. Therefore, it has been classified as a Variant of Uncertain Significance. Advanced modeling of protein sequence and biophysical properties (such as structural, functional, and spatial information, amino acid conservation, physicochemical variation, residue mobility, and thermodynamic stability) has been performed at Invitae for this missense variant, however the output from this modeling did not meet the statistical confidence thresholds required to predict the impact of this variant on DNAI1 protein function. ClinVar contains an entry for this variant (Variation ID: 2098329). This variant has not been reported in the literature in individuals affected with DNAI1-related conditions. This variant is not present in population databases (gnomAD no frequency). This sequence change replaces leucine, which is neutral and non-polar, with glutamine, which is neutral and polar, at codon 319 of the DNAI1 protein (p.Leu319Gln).

NM_012144.4(DNAI1):c.956T>A (p.Leu319Gln)

Gene: DNAI1 (dynein axonemal intermediate chain 1; plus strand). Cytogenetic location: 9p13.3.
Variant type: single nucleotide variant.
Coding change: c.956T>A on transcript NM_012144.4 (MANE Select); coding-DNA position 956, T replaced by A.
Protein change: p.Leu319Gln; replaces leucine 319 with glutamine.
Molecular consequence: missense variant.
Genome position (GRCh38, 1-based): chr9:34,500,776, T>A. VCF-style: chr9-34500776-T-A. GRCh37 (hg19) VCF-style: chr9-34500774-T-A.
Other names: c.968T>A, p.Leu323Gln (NM_001281428.2); short protein forms L319Q, L323Q.
Identifiers: ClinVar variation 2098329 (VCV002098329.4), dbSNP rs2492072396, ClinGen allele CA373253172.